The following is an entry in ClinVar:

ClinVar aggregate classification (germline): Uncertain significance (1 of 4 stars; one submission).

Submission:

Laboratory for Molecular Medicine, Mass General Brigham Personalized Medicine
Classification: Uncertain significance. Last evaluated: 2013-10-15. Review status: criteria provided, single submitter. Criteria: LMM Criteria. Collection method: clinical testing. Allele origin: germline. Observed: 1 variant allele.
Comment: Variant classified as Uncertain Significance - Favor Pathogenic. The 482-1G>A va riant in MYL3 has not been reported in individuals with cardiomyopathy or in lar ge population studies. This variant occurs in the invariant region (+/- 1,2) of the splice consensus sequence and is predicted to cause altered splicing leading to an abnormal or absent protein. Another variant (482-2A>G) at the same splic e consensus sequence has been reported in 1 individual with HCM and 1 affected r elative (Andersen 2009). The predicted severe impact to the protein and the dete ction of a similar variant in an individual with HCM supports that the 482-1G>A variant may be pathogenic; however, additional studies are needed to fully asses s its clinical significance.

NM_000258.3(MYL3):c.482-1G>A

Gene: MYL3 (myosin light chain 3; minus strand). Cytogenetic location: 3p21.31.
Variant type: single nucleotide variant.
Coding change: c.482-1G>A on transcript NM_000258.3 (MANE Select); the canonical splice acceptor site of the intron before coding-DNA position 482, G replaced by A.
Molecular consequence: splice acceptor variant. On other transcripts: intron variant (1).
Genome position (GRCh38, 1-based): chr3:46,858,462, C>T on the plus strand (G>A on the coding strand, the complement: MYL3 is on the minus strand). VCF-style: chr3-46858462-C-T. GRCh37 (hg19) VCF-style: chr3-46899952-C-T.
Other names: c.482-1G>A (NM_001406939.1, NM_001406938.1, NM_001406937.1); c.308-1G>A (NM_001406940.1); c.308-16G>A (NM_001406941.1).
Identifiers: ClinVar variation 164486 (VCV000164486.4), dbSNP rs727503300, ClinGen allele CA013932.